The following is an entry in ClinVar:

ClinVar aggregate classification (germline): Uncertain significance (1 of 4 stars; one submission).

Submission:

Labcorp Genetics (formerly Invitae), Labcorp
Classification: Uncertain significance. Last evaluated: 2022-03-02. Review status: criteria provided, single submitter. Criteria: Invitae Variant Classification Sherloc (09022015). Collection method: clinical testing. Allele origin: germline.
Comment: This variant results in a copy number gain of the genomic region encompassing exon(s) 1-7 of the SMARCB1 gene. This region includes the initiator codon of the gene. This copy number gain extends beyond the assayed region for this gene and therefore may encompass additional genes. As the precise location of this event is unknown, it may be in tandem or it may be located elsewhere in the genome. This variant has not been reported in the literature in individuals affected with SMARCB1-related conditions. Experimental studies and prediction algorithms are not available or were not evaluated, and the functional significance of this variant is currently unknown. In summary, the available evidence is currently insufficient to determine the role of this variant in disease. Therefore, it has been classified as a Variant of Uncertain Significance.

NC_000022.10:g.(?_24129357)_(24167612_?)dup

Gene: SMARCB1 (SWI/SNF related BAF chromatin remodeling complex subunit B1; plus strand). Cytogenetic location: 22q11.23.
Variant type: Duplication.
Identifiers: ClinVar variation 1040340 (VCV001040340.5).